The following is an entry in ClinVar:

NC_000017.10:g.(?_41209048)_(41215988_?)del

Gene: BRCA1 (BRCA1 DNA repair associated; minus strand). Cytogenetic location: 17q21.31.
Variant type: Deletion.
Identifiers: ClinVar variation 1069179 (VCV001069179.1).

ClinVar aggregate classification (germline): Pathogenic (1 of 4 stars; one submission).

Conditions:
Hereditary breast ovarian cancer syndrome. Also called: Breast and ovarian cancer; BRCA1- and BRCA2-Associated Hereditary Breast and Ovarian Cancer; Hereditary breast and ovarian cancer syndrome; Hereditary breast and/or ovarian cancer syndrome; Hereditary breast and ovarian cancer; Hereditary breast and ovarian cancer syndrome (HBOC). Identifiers: Orphanet 145, MedGen C0677776, MeSH D061325, MONDO:0003582. Disease mechanism: loss of function.

Submission:

Labcorp Genetics (formerly Invitae), Labcorp
Classification: Pathogenic for Hereditary breast ovarian cancer syndrome. Last evaluated: 2020-08-14. Review status: criteria provided, single submitter. Criteria: Invitae Variant Classification Sherloc (09022015). Collection method: clinical testing. Allele origin: germline.
Comment: This variant is an out-of-frame deletion of the genomic region encompassing exons 17-19 of the BRCA1 gene. This is expected to create a premature translational stop signal and result in an absent or disrupted protein product. A similar deletion of exons 17-19 has been reported in an individual with breast cancer (PMID: 29582426). Exons 17-19 of the BRCA1 gene are also known as exons 18-20 in the literature. Loss-of-function variants in BRCA1 are known to be pathogenic (PMID: 20104584). For these reasons, this variant has been classified as Pathogenic.

Literature cited by the submitters: PubMed 29582426; PubMed 20104584.